The following is an entry in ClinVar:

ClinVar aggregate classification (germline): Uncertain significance (1 of 4 stars; one submission).

Conditions:
MELAS syndrome (MELAS). Also called: Juvenile myopathy, encephalopathy, lactic acidosis, stroke. Identifiers: Orphanet 550, MedGen C0162671, MONDO:0010789, OMIM 540000.

Submission:

3billion
Classification: Uncertain significance for MELAS syndrome. Last evaluated: 2025-07-21. Review status: criteria provided, single submitter. Criteria: ACMG Guidelines, 2015. Collection method: clinical testing. Allele origin: germline. Affected: yes.
Comment: The variant is not observed in the gnomAD v4.1.0 dataset. Predicted Consequence/Location: Inframe deletion located in a nonrepeat region: predicted to change the length of the protein and disrupt normal protein function. Therefore, this variant is classified as VUS according to the recommendation of ACMG/AMP guideline.

NC_012920.1(MT-ND5):m.13986_13988del

Gene: MT-ND5 (mitochondrially encoded NADH dehydrogenase 5; plus strand).
Variant type: Deletion.
Genome position: chrM-13983-CCTA-C.
Identifiers: ClinVar variation 4857761 (VCV004857761.1).